The following is an entry in ClinVar:

ClinVar aggregate classification (germline): Likely benign (0 of 4 stars; one submission).

Conditions:
TUBGCP6-related disorder. Also called: TUBGCP6-related condition.

gnomAD v4.1: 2 of 1,611,460 alleles (0.00012%); highest among the groups gnomAD compares: Non-Finnish European, 0.000085%; no homozygotes.

Submission:

PreventionGenetics, part of Exact Sciences
Classification: Likely benign for TUBGCP6-related condition. Last evaluated: 2023-12-21. Review status: no assertion criteria provided. Collection method: clinical testing. Allele origin: germline.
Comment: This variant is classified as likely benign based on ACMG/AMP sequence variant interpretation guidelines (Richards et al. 2015 PMID: 25741868, with internal and published modifications).

NM_020461.4(TUBGCP6):c.3346A>C (p.Arg1116=)

Gene: TUBGCP6 (tubulin gamma complex component 6; minus strand). Cytogenetic location: 22q13.33.
Variant type: single nucleotide variant.
Coding change: c.3346A>C on transcript NM_020461.4 (MANE Select); coding-DNA position 3346, A replaced by C.
Protein change: p.Arg1116=; no amino-acid change (arginine 1116 retained).
Molecular consequence: synonymous variant.
Genome position (GRCh38, 1-based): chr22:50,221,013, T>G on the plus strand (A>C on the coding strand, the complement: TUBGCP6 is on the minus strand). VCF-style: chr22-50221013-T-G. GRCh37 (hg19) VCF-style: chr22-50659442-T-G.
Identifiers: ClinVar variation 3050512 (VCV003050512.2), dbSNP rs2064512579, ClinGen allele CA515376738.